The following is an entry in ClinVar:

ClinVar aggregate classification (germline): Conflicting classifications of pathogenicity. Review status: criteria provided, conflicting classifications (1 of 4 stars). 4 submissions from 3 submitters: Uncertain significance (1); Benign (1); Likely benign (2). Last evaluated 2026-02-01.

Conditions:
Inflammatory bowel disease 1 (IBD1). Also called: INFLAMMATORY BOWEL DISEASE (CROHN DISEASE) 1; Inflammatory bowel disease 1, Crohn disease. Identifiers: MedGen CN260071, MONDO:0009960, OMIM 266600.
Blau syndrome (BLAUS). Also called: ARTHROCUTANEOUVEAL GRANULOMATOSIS; GRANULOMATOSIS, FAMILIAL JUVENILE SYSTEMIC; GRANULOMATOSIS, FAMILIAL, BLAU TYPE; GRANULOMATOUS INFLAMMATORY ARTHRITIS, DERMATITIS, AND UVEITIS, FAMILIAL; JABS SYNDROME. Identifiers: Orphanet 90340, MedGen C5201146, MONDO:0008523, OMIM 186580.
Regional enteritis. Also called: Enteritis, Granulomatous. Identifiers: MedGen C0678202, MeSH D003424.

Allele frequency attached by ClinVar (database versions not stated): gnomAD exomes 0.00005 and 0.00013; ExAC 0.00012; gnomAD 0.00012 and 0.00014; TOPMed 0.00016; ESP Exome Variant Server 0.00023.

Submissions (4):

CeGaT Center for Human Genetics Tuebingen
Classification: Likely benign. Last evaluated: 2026-02-01. Review status: criteria provided, single submitter. Criteria: CeGaT Center For Human Genetics Tuebingen Variant Classification Criteria Version 2. Collection method: clinical testing. Allele origin: germline. Affected: yes. Observed: 1 variant allele.
Comment: NOD2: BP4, BS2

Labcorp Genetics (formerly Invitae), Labcorp
Classification: Likely benign for Regional enteritis; Blau syndrome. Last evaluated: 2026-01-06. Review status: criteria provided, single submitter. Criteria: Invitae Variant Classification Sherloc (09022015). Collection method: clinical testing. Allele origin: germline.

Illumina Laboratory Services, Illumina
Classification: Benign for Blau syndrome. Last evaluated: 2018-01-13. Review status: criteria provided, single submitter. Criteria: ICSL Variant Classification Criteria 13 December 2019. Collection method: clinical testing. Allele origin: germline.
Comment: This variant was observed in the ICSL laboratory as part of a predisposition screen in an ostensibly healthy population. It had not been previously curated by ICSL or reported in the Human Gene Mutation Database (HGMD: prior to June 1st, 2018), and was therefore a candidate for classification through an automated scoring system. Utilizing variant allele frequency, disease prevalence and penetrance estimates, and inheritance mode, an automated score was calculated to assess if this variant is too frequent to cause the disease. Based on the score and internal cut-off values, a variant classified as benign is not then subjected to further curation. The score for this variant resulted in a classification of benign for this disease.

Illumina Laboratory Services, Illumina
Classification: Uncertain significance for Inflammatory bowel disease 1. Last evaluated: 2018-01-13. Review status: criteria provided, single submitter. Criteria: ICSL Variant Classification Criteria 13 December 2019. Collection method: clinical testing. Allele origin: germline.

NM_001370466.1(NOD2):c.232G>A (p.Ala78Thr)

Gene: NOD2 (nucleotide binding oligomerization domain containing 2; plus strand). Cytogenetic location: 16q12.1.
Variant type: single nucleotide variant.
Coding change: c.232G>A on transcript NM_001370466.1 (MANE Select); coding-DNA position 232, G replaced by A.
Protein change: p.Ala78Thr; replaces alanine 78 with threonine.
Molecular consequence: missense variant. On other transcripts: non-coding transcript variant (1).
Genome position (GRCh38, 1-based): chr16:50,699,727, G>A. VCF-style: chr16-50699727-G-A. GRCh37 (hg19) VCF-style: chr16-50733638-G-A.
Other names: c.232G>A, p.Ala78Thr (NM_001293557.2); c.313G>A, p.Ala105Thr (NM_022162.3); short protein forms A105T, A78T.
Identifiers: ClinVar variation 886096 (VCV000886096.19), dbSNP rs113706344, ClinGen allele CA8051249.
Genomic context (GRCh38, chr16:50,699,727, plus strand): 5'-GCCAGGCGCCTTCTGGACACCGTCTGGAATAAGGGTACTTGGGCCTGTCAGAAGCTCATC[G>A]CGGCTGCCCAAGAAGCCCAGGCCGACAGCCAGTCCCCCAAGCTGCATGGCTGCTGGGACC-3'
Protein context (NP_001357395.1, residues 68-88): KGTWACQKLI[Ala78Thr]AAQEAQADSQ